The following is an entry in ClinVar:

ClinVar aggregate classification (germline): Pathogenic (1 of 4 stars; one submission).

Submission:

Labcorp Genetics (formerly Invitae), Labcorp
Classification: Pathogenic. Last evaluated: 2023-10-05. Review status: criteria provided, single submitter. Criteria: Invitae Variant Classification Sherloc (09022015). Collection method: clinical testing. Allele origin: unknown.
Comment: This variant is a gross deletion of the genomic region encompassing exon(s) 4 of the TTLL5 gene. This deletion is out-of-frame, and is expected to create a premature termination codon and result in an absent or disrupted protein product. Loss-of-function variants in TTLL5 are known to be pathogenic (PMID: 24791901, 27162334). This variant has not been reported in the literature in individuals affected with TTLL5-related conditions. For these reasons, this variant has been classified as Pathogenic.

Literature cited by the submitters: PubMed 24791901; PubMed 27162334.

NC_000014.8:g.(?_76147868)_(76147990_?)del

Gene: TTLL5 (tubulin tyrosine ligase like 5; plus strand). Cytogenetic location: 14q24.3.
Variant type: Deletion.
Identifiers: ClinVar variation 3244092 (VCV003244092.1).